The following is an entry in ClinVar:

NM_001614.5(ACTG1):c.899dup (p.Gly302fs)

Gene: ACTG1 (actin gamma 1; minus strand). Cytogenetic location: 17q25.3.
Variant type: Duplication.
Coding change: c.899dup on transcript NM_001614.5 (MANE Select); coding-DNA position 899, one base duplicated (C; older notation c.899dupC).
Protein change: p.Gly302fs; shifts the reading frame from glycine 302.
Molecular consequence: frameshift variant. On other transcripts: non-coding transcript variant (1).
Genome position (GRCh38, 1-based): chr17:81,511,012, G duplicated on the plus strand (C on the coding strand, the reverse complement: ACTG1 is on the minus strand). VCF-style (leftmost placement, unchanged base first): chr17-81511011-C-CG. GRCh37 (hg19) VCF-style: chr17-79478037-C-CG.
Other names: c.899dup, p.Gly302fs (NM_001199954.3); short protein forms G302fs.
Identifiers: ClinVar variation 4998722 (VCV004998722.1).
Genomic context (GRCh38, chr17:81,511,011, plus strand): 5'-CAGGGCGGTGATCTCCTTCTGCATCCTGTCGGCAATGCCCGGGTACATGGTGGTGCCGCC[C>CG]GACAGCACCGTGTTGGCGTACAGGTCTTTGCGGATGTCCACGTCACACTTCATGATGGAG-3'

ClinVar aggregate classification (germline): Uncertain significance (1 of 4 stars; one submission).

Conditions:
ACTG1-related disorder. Also called: ACTG1-related condition; ACTG1-related disorders.

Submission:

PreventionGenetics, part of Exact Sciences
Classification: Uncertain significance for ACTG1-related condition. Last evaluated: 2025-04-23. Review status: criteria provided, single submitter. Criteria: ACMG Guidelines, 2015. Collection method: clinical testing. Allele origin: germline.
Comment: The ACTG1 c.899dupC variant is predicted to result in a frameshift and premature protein termination (p.Gly302Argfs*57). To our knowledge, this variant has not been reported in the literature or in a large population database (gnomAD), indicating this variant is rare. Loss of function is not an established mechanism of ACTG1-related disease. At this time, the clinical significance of this variant is uncertain due to the absence of conclusive functional and genetic evidence.